The following is an entry in ClinVar:

NM_032043.3(BRIP1):c.461T>A (p.Phe154Tyr)

Gene: BRIP1 (BRCA1 interacting DNA helicase 1; minus strand). Cytogenetic location: 17q23.2.
Variant type: single nucleotide variant.
Coding change: c.461T>A on transcript NM_032043.3 (MANE Select); coding-DNA position 461, T replaced by A.
Protein change: p.Phe154Tyr; replaces phenylalanine 154 with tyrosine.
Molecular consequence: missense variant.
Genome position (GRCh38, 1-based): chr17:61,849,175, A>T on the plus strand (T>A on the coding strand, the complement: BRIP1 is on the minus strand). VCF-style: chr17-61849175-A-T. GRCh37 (hg19) VCF-style: chr17-59926536-A-T.
Other names: short protein forms F154Y.
Identifiers: ClinVar variation 1741956 (VCV001741956.2), dbSNP rs2145763202, ClinGen allele CA400484442.

ClinVar aggregate classification (germline): Uncertain significance (1 of 4 stars; one submission).

Conditions:
Hereditary cancer-predisposing syndrome. Also called: Hereditary Cancer Syndrome; Hereditary neoplastic syndrome; Neoplastic Syndromes, Hereditary; Tumor predisposition. Identifiers: Orphanet 140162, MedGen C0027672, MeSH D009386, MONDO:0015356.

Submission:

Ambry Genetics
Classification: Uncertain significance for Hereditary cancer-predisposing syndrome. Last evaluated: 2022-02-26. Review status: criteria provided, single submitter. Criteria: Ambry Variant Classification Scheme 2023. Collection method: clinical testing. Allele origin: germline.
Comment: The p.F154Y variant (also known as c.461T>A), located in coding exon 4 of the BRIP1 gene, results from a T to A substitution at nucleotide position 461. The phenylalanine at codon 154 is replaced by tyrosine, an amino acid with highly similar properties. This amino acid position is conserved. In addition, the in silico prediction for this alteration is inconclusive. Since supporting evidence is limited at this time, the clinical significance of this alteration remains unclear.